The following is an entry in ClinVar:

ClinVar aggregate classification (germline): Uncertain significance. Review status: criteria provided, single submitter (1 of 4 stars). 2 submissions from 2 submitters: Uncertain significance (1). 1 of the submissions does not count toward it. Last evaluated 2024-10-08.

Conditions:
PLXNA4-related disorder. Also called: PLXNA4-related condition.

gnomAD v4.1: 25 of 1,613,456 alleles (0.0015%); highest among the groups gnomAD compares: Middle Eastern, 0.049%; no homozygotes.

Submissions (2):

Ambry Genetics
Classification: Uncertain significance. Last evaluated: 2024-10-08. Review status: criteria provided, single submitter. Criteria: Ambry Variant Classification Scheme 2023. Collection method: clinical testing. Allele origin: germline.

PreventionGenetics, part of Exact Sciences
Classification: Uncertain significance for PLXNA4-related condition. Last evaluated: 2024-07-22. Review status: no assertion criteria provided. Collection method: clinical testing. Allele origin: germline. Not counted in ClinVar's aggregate classification.
Comment: The PLXNA4 c.2012G>A variant is predicted to result in the amino acid substitution p.Arg671His. To our knowledge, this variant has not been reported in the literature. This variant is reported in 0.0066% of alleles in individuals of South Asian descent in gnomAD. At this time, the clinical significance of this variant is uncertain due to the absence of conclusive functional and genetic evidence.

NM_020911.2(PLXNA4):c.2012G>A (p.Arg671His)

Gene: PLXNA4 (plexin A4; minus strand). Cytogenetic location: 7q32.3.
Variant type: single nucleotide variant.
Coding change: c.2012G>A on transcript NM_020911.2 (MANE Select); coding-DNA position 2012, G replaced by A.
Protein change: p.Arg671His; replaces arginine 671 with histidine.
Molecular consequence: missense variant.
Genome position (GRCh38, 1-based): chr7:132,223,612, C>T on the plus strand (G>A on the coding strand, the complement: PLXNA4 is on the minus strand). VCF-style: chr7-132223612-C-T. GRCh37 (hg19) VCF-style: chr7-131908371-C-T.
Other names: c.2012G>A, p.Arg671His (NM_001393897.1); short protein forms R671H.
Identifiers: ClinVar variation 3351085 (VCV003351085.2).